The following is an entry in ClinVar:

ClinVar aggregate classification (germline): Benign/Likely benign. Review status: criteria provided, multiple submitters, no conflicts (2 of 4 stars). 4 submissions from 4 submitters: Benign (1); Likely benign (3). Last evaluated 2025-10-25.

Conditions:
BAP1-related tumor predisposition syndrome (TPDS1). Also called: BAP1 tumor predisposition syndrome; COMMON Syndrome; Tumor susceptibility linked to germline BAP1 mutations; TUMOR PREDISPOSITION SYNDROME 1. Identifiers: Orphanet 289539, MedGen C3280492, MONDO:0013692, OMIM 614327.
Hereditary cancer-predisposing syndrome. Also called: Hereditary neoplastic syndrome; Neoplastic Syndromes, Hereditary; Hereditary Cancer Syndrome; Tumor predisposition. Identifiers: Orphanet 140162, MedGen C0027672, MeSH D009386, MONDO:0015356.

Allele frequency attached by ClinVar (database versions not stated): gnomAD exomes below 0.00001 and 0.00001; TOPMed below 0.00001.

Submissions (4):

Labcorp Genetics (formerly Invitae), Labcorp
Classification: Likely benign for BAP1-related tumor predisposition syndrome. Last evaluated: 2025-10-25. Review status: criteria provided, single submitter. Criteria: Invitae Variant Classification Sherloc (09022015). Collection method: clinical testing. Allele origin: germline.

Myriad Genetics, Inc.
Classification: Benign for BAP1-related tumor predisposition syndrome. Last evaluated: 2024-07-11. Review status: criteria provided, single submitter. Criteria: Myriad Autosomal Dominant, Autosomal Recessive and X-Linked Classification Criteria (2023). Collection method: clinical testing. Allele origin: unknown.
Comment: This variant is considered benign. This variant is a silent/synonymous amino acid change and it is not expected to impact splicing.

Quest Diagnostics Nichols Institute San Juan Capistrano
Classification: Likely benign. Last evaluated: 2023-04-28. Review status: criteria provided, single submitter. Criteria: Quest Diagnostics criteria. Collection method: clinical testing. Allele origin: unknown.

Ambry Genetics
Classification: Likely benign for Hereditary cancer-predisposing syndrome. Last evaluated: 2018-11-13. Review status: criteria provided, single submitter. Criteria: Ambry Variant Classification Scheme 2023. Collection method: clinical testing. Allele origin: germline.

NM_004656.4(BAP1):c.129A>G (p.Val43=)

Gene: BAP1 (BRCA1 associated deubiquitinase 1; minus strand). Cytogenetic location: 3p21.1.
Variant type: single nucleotide variant.
Coding change: c.129A>G on transcript NM_004656.4 (MANE Select); coding-DNA position 129, A replaced by G.
Protein change: p.Val43=; no amino-acid change (valine 43 retained).
Molecular consequence: synonymous variant.
Genome position (GRCh38, 1-based): chr3:52,408,600, T>C on the plus strand (A>G on the coding strand, the complement: BAP1 is on the minus strand). VCF-style: chr3-52408600-T-C. GRCh37 (hg19) VCF-style: chr3-52442616-T-C.
Identifiers: ClinVar variation 659695 (VCV000659695.12), dbSNP rs1487407666, ClinGen allele CA433778265.